The following is an entry in ClinVar:

ClinVar aggregate classification (germline): Uncertain significance (1 of 4 stars; one submission).

Submission:

Ambry Genetics
Classification: Uncertain significance. Last evaluated: 2021-12-15. Review status: criteria provided, single submitter. Criteria: Ambry Variant Classification Scheme 2023. Collection method: clinical testing. Allele origin: germline.
Comment: The p.Q1017H variant (also known as c.3051G>C), located in coding exon 16 of the POLQ gene, results from a G to C substitution at nucleotide position 3051. The glutamine at codon 1017 is replaced by histidine, an amino acid with highly similar properties. This amino acid position is conserved. In addition, this alteration is predicted to be tolerated by in silico analysis. Since supporting evidence is limited at this time, the clinical significance of this alteration remains unclear.

NM_199420.4(POLQ):c.3051G>C (p.Gln1017His)

Gene: POLQ (DNA polymerase theta; minus strand). Cytogenetic location: 3q13.33.
Variant type: single nucleotide variant.
Coding change: c.3051G>C on transcript NM_199420.4 (MANE Select); coding-DNA position 3051, G replaced by C.
Protein change: p.Gln1017His; replaces glutamine 1017 with histidine.
Molecular consequence: missense variant.
Genome position (GRCh38, 1-based): chr3:121,489,880, C>G on the plus strand (G>C on the coding strand, the complement: POLQ is on the minus strand). VCF-style: chr3-121489880-C-G. GRCh37 (hg19) VCF-style: chr3-121208727-C-G.
Other names: short protein forms Q1017H.
Identifiers: ClinVar variation 1799275 (VCV001799275.2), dbSNP rs2546787872, ClinGen allele CA354103257.